The following is an entry in ClinVar:

NM_001710.6(CFB):c.1365C>T (p.Val455=)

Gene: CFB (complement factor B; plus strand). Cytogenetic location: 6p21.33.
Variant type: single nucleotide variant.
Coding change: c.1365C>T on transcript NM_001710.6 (MANE Select); coding-DNA position 1365, C replaced by T.
Protein change: p.Val455=; no amino-acid change (valine 455 retained).
Molecular consequence: synonymous variant.
Genome position (GRCh38, 1-based): chr6:31,949,514, C>T. VCF-style: chr6-31949514-C-T. GRCh37 (hg19) VCF-style: chr6-31917291-C-T.
Other names: p.Val455=.
Identifiers: ClinVar variation 356287 (VCV000356287.26), dbSNP rs2072634, ClinGen allele CA3728306.

ClinVar aggregate classification (germline): Benign/Likely benign. Review status: criteria provided, multiple submitters, no conflicts (2 of 4 stars). 12 submissions from 12 submitters: Benign (7); Likely benign (2). 3 of the submissions do not count toward it. Last evaluated 2026-02-02.

Conditions:
Atypical hemolytic-uremic syndrome with B factor anomaly. Also called: HEMOLYTIC UREMIC SYNDROME, ATYPICAL, SUSCEPTIBILITY TO, 4; AHUS, SUSCEPTIBILITY TO, 4. Identifiers: Orphanet 2134, MedGen C2752038, MONDO:0013042, OMIM 612924.
CFB-related disorder. Also called: CFB-related condition; CFB-related disorders.
Atypical hemolytic-uremic syndrome. Identifiers: Orphanet 2134, MedGen C2931788, MONDO:0016244.
Focal segmental glomerulosclerosis (FSGS). Also called: Glomerulosclerosis, focal; Focal sclerosis with hyalinosis. Identifiers: MedGen C0017668, MONDO:0100313, HP:0000097. Disease mechanism: loss of function.

Allele frequency attached by ClinVar (database versions not stated): gnomAD 0.02273 and 0.01961; gnomAD exomes 0.02602 and 0.03564; ExAC 0.03811; 1000 Genomes Project 30x 0.03919; 1000 Genomes Project 0.04173; ESP Exome Variant Server 0.01848; TOPMed 0.01973.
gnomAD v4.1: 41,981 of 1,613,554 alleles (2.6%); highest among the groups gnomAD compares: South Asian, 12%; 1,364 homozygotes.

Submissions (12):

Labcorp Genetics (formerly Invitae), Labcorp
Classification: Benign. Last evaluated: 2026-02-02. Review status: criteria provided, single submitter. Criteria: Invitae Variant Classification Sherloc (09022015). Collection method: clinical testing. Allele origin: germline.

Women's Health and Genetics/Laboratory Corporation of America, LabCorp
Classification: Benign. Last evaluated: 2026-01-22. Review status: criteria provided, single submitter. Criteria: LabCorp Variant Classification Summary - May 2015. Collection method: clinical testing. Allele origin: germline.

Genomenon, Inc
Classification: Benign for Atypical hemolytic-uremic syndrome. Last evaluated: 2025-09-26. Review status: criteria provided, single submitter. Criteria: Genomenon Sequence Variant Interpretation Standards - Updated. Collection method: curation. Allele origin: germline. Affected: no.
Comment: CFB p.Val455= (c.1365C>T) is a synonymous variant that retains Valine at residue 455. This variant has been reported in the published literature (PMID:24652797;27759029;36615095;30555100;20370803;19654554). This variant is present at high allele frequency in population databases. In conclusion, we classify CFB p.Val455= (c.1365C>T) as a benign variant.

Blueprint Genetics
Classification: Likely benign. Last evaluated: 2024-11-27. Review status: criteria provided, single submitter. Criteria: ACMG Guidelines, 2015. Collection method: clinical testing. Allele origin: germline.

Genome Diagnostics Laboratory, The Hospital for Sick Children
Classification: Benign for Focal segmental glomerulosclerosis. Last evaluated: 2022-08-03. Review status: criteria provided, single submitter. Criteria: ACMG Guidelines, 2015. Collection method: clinical testing. Allele origin: germline.

Mayo Clinic Laboratories, Mayo Clinic
Classification: Benign. Last evaluated: 2022-03-10. Review status: criteria provided, single submitter. Criteria: ACMG Guidelines, 2015. Collection method: clinical testing. Allele origin: germline. Observed: 152 variant alleles.

GeneDx
Classification: Benign. Last evaluated: 2018-11-10. Review status: criteria provided, single submitter. Criteria: GeneDx Variant Classification Process June 2021. Collection method: clinical testing. Allele origin: germline. Affected: yes.

Illumina Laboratory Services, Illumina
Classification: Benign for Atypical hemolytic-uremic syndrome with B factor anomaly. Last evaluated: 2018-01-13. Review status: criteria provided, single submitter. Criteria: ICSL Variant Classification Criteria 13 December 2019. Collection method: clinical testing. Allele origin: germline.
Comment: This variant was observed in the ICSL laboratory as part of a predisposition screen in an ostensibly healthy population. It had not been previously curated by ICSL or reported in the Human Gene Mutation Database (HGMD: prior to June 1st, 2018), and was therefore a candidate for classification through an automated scoring system. Utilizing variant allele frequency, disease prevalence and penetrance estimates, and inheritance mode, an automated score was calculated to assess if this variant is too frequent to cause the disease. Based on the score and internal cut-off values, a variant classified as benign is not then subjected to further curation. The score for this variant resulted in a classification of benign for this disease.

Breakthrough Genomics
Classification: Likely benign. Review status: criteria provided, single submitter. Criteria: ACMG Guidelines, 2015. Collection method: not provided. Allele origin: germline. Inheritance: Autosomal recessive inheritance. Affected: yes.

PreventionGenetics, part of Exact Sciences
Classification: Benign for CFB-related condition. Last evaluated: 2019-07-11. Review status: no assertion criteria provided. Collection method: clinical testing. Allele origin: germline. Not counted in ClinVar's aggregate classification.
Comment: This variant is classified as benign based on ACMG/AMP sequence variant interpretation guidelines (Richards et al. 2015 PMID: 25741868, with internal and published modifications).

Genome Diagnostics Laboratory, University Medical Center Utrecht
Classification: Benign. Review status: no assertion criteria provided. Collection method: clinical testing. Allele origin: germline. Affected: yes. Study: VKGL Data-share Consensus. Not counted in ClinVar's aggregate classification.

Joint Genome Diagnostic Labs from Nijmegen and Maastricht, Radboudumc and MUMC+
Classification: Benign. Review status: no assertion criteria provided. Collection method: clinical testing. Allele origin: germline. Affected: yes. Study: VKGL Data-share Consensus. Not counted in ClinVar's aggregate classification.

Literature cited by the submitters: PubMed 24652797 (cited by Genomenon, Inc); 27759029 (cited by Genomenon, Inc); 36615095 (cited by Genomenon, Inc); 30555100 (cited by Genomenon, Inc); 20370803 (cited by Genomenon, Inc); 19654554 (cited by Genomenon, Inc).